The following is an entry in ClinVar:

ClinVar aggregate classification (germline): Likely pathogenic. Review status: criteria provided, multiple submitters, no conflicts (2 of 4 stars). 5 submissions from 5 submitters: Likely pathogenic (4). 1 of the submissions does not count toward it. Last evaluated 2025-07-29.

Conditions:
Multiple mitochondrial dysfunctions syndrome 2 (MMDS2). Also called: MULTIPLE MITOCHONDRIAL DYSFUNCTIONS SYNDROME 2 WITH HYPERGLYCINEMIA. Identifiers: Orphanet 401874, MedGen C3280378, MONDO:0013675, OMIM 614299.

Allele frequency attached by ClinVar (database versions not stated): ExAC 0.00002; gnomAD 0.00002 and 0.00003; TOPMed 0.00002; gnomAD exomes 0.00004.

Submissions (5):

Labcorp Genetics (formerly Invitae), Labcorp
Classification: Likely pathogenic. Last evaluated: 2025-07-29. Review status: criteria provided, single submitter. Criteria: Invitae Variant Classification Sherloc (09022015). Collection method: clinical testing. Allele origin: germline.
Comment: This sequence change replaces isoleucine, which is neutral and non-polar, with asparagine, which is neutral and polar, at codon 67 of the BOLA3 protein (p.Ile67Asn). This variant is present in population databases (rs550855238, gnomAD 0.009%). This missense change has been observed in individuals with multiple mitochondrial dysfunctions syndrome (PMID: 22562699, 30302924). It has also been observed to segregate with disease in related individuals. ClinVar contains an entry for this variant (Variation ID: 816698). An algorithm developed to predict the effect of missense changes on protein structure and function (PolyPhen-2) suggests that this variant is likely to be disruptive. Experimental studies have shown that this missense change affects BOLA3 function (PMID: 22562699, 33693876). In summary, the currently available evidence indicates that the variant is pathogenic, but additional data are needed to prove that conclusively. Therefore, this variant has been classified as Likely Pathogenic.

GeneDx
Classification: Likely pathogenic. Last evaluated: 2025-03-26. Review status: criteria provided, single submitter. Criteria: GeneDx Variant Classification Process June 2021. Collection method: clinical testing. Allele origin: germline. Affected: yes.
Comment: In silico analysis supports that this missense variant has a deleterious effect on protein structure/function; Not observed at significant frequency in large population cohorts (gnomAD); This variant is associated with the following publications: (PMID: 30302924, 33693876, 34440194, 37288145, 22562699, 35883565)

Revvity Omics, Revvity
Classification: Likely pathogenic for Multiple mitochondrial dysfunctions syndrome 2. Last evaluated: 2023-02-07. Review status: criteria provided, single submitter. Criteria: ACMG Guidelines, 2015. Collection method: clinical testing. Allele origin: germline.

Greenwood Genetic Center Diagnostic Laboratories, Greenwood Genetic Center
Classification: Likely pathogenic for Multiple mitochondrial dysfunctions syndrome 2. Last evaluated: 2022-06-15. Review status: criteria provided, single submitter. Criteria: ACMG Guidelines, 2015. Collection method: clinical testing. Allele origin: germline. Affected: yes.
Comment: PS3, PM2, PM3, PP3

OMIM
Classification: Pathogenic for MULTIPLE MITOCHONDRIAL DYSFUNCTIONS SYNDROME 2 WITH HYPERGLYCINEMIA. Last evaluated: 2023-04-26. Review status: no assertion criteria provided. Collection method: literature only. Allele origin: germline. Not counted in ClinVar's aggregate classification.

Literature cited by the submitters: PubMed 22562699 (cited by Labcorp Genetics (formerly Invitae), Labcorp and OMIM); PubMed 30302924 (cited by Labcorp Genetics (formerly Invitae), Labcorp and OMIM); PubMed 33693876 (cited by Labcorp Genetics (formerly Invitae), Labcorp).

NM_212552.3(BOLA3):c.200T>A (p.Ile67Asn)

Gene: BOLA3 (bolA family member 3; minus strand). Cytogenetic location: 2p13.1.
Variant type: single nucleotide variant.
Coding change: c.200T>A on transcript NM_212552.3 (MANE Select); coding-DNA position 200, T replaced by A.
Protein change: p.Ile67Asn; replaces isoleucine 67 with asparagine.
Molecular consequence: missense variant. On other transcripts: intron variant (1).
Genome position (GRCh38, 1-based): chr2:74,142,330, A>T on the plus strand (T>A on the coding strand, the complement: BOLA3 is on the minus strand). VCF-style: chr2-74142330-A-T. GRCh37 (hg19) VCF-style: chr2-74369457-A-T.
Other names: c.169+2859T>A (NM_001035505.2); short protein forms I67N.
Identifiers: ClinVar variation 816698 (VCV000816698.12), dbSNP rs550855238, ClinGen allele CA1719462.